The following is an entry in ClinVar:

NM_001244008.2(KIF1A):c.4317A>C (p.Pro1439=)

Gene: KIF1A (kinesin family member 1A; minus strand). Cytogenetic location: 2q37.3.
Variant type: single nucleotide variant.
Coding change: c.4317A>C on transcript NM_001244008.2 (MANE Select); coding-DNA position 4317, A replaced by C.
Protein change: p.Pro1439=; no amino-acid change (proline 1439 retained).
Molecular consequence: synonymous variant.
Genome position (GRCh38, 1-based): chr2:240,723,976, T>G on the plus strand (A>C on the coding strand, the complement: KIF1A is on the minus strand). VCF-style: chr2-240723976-T-G. GRCh37 (hg19) VCF-style: chr2-241663393-T-G.
Other names: c.4041A>C, p.Pro1347= (NM_001320705.2, NM_001379649.1); c.4068A>C, p.Pro1356= (NM_001330289.2); c.4116A>C, p.Pro1372= (NM_001330290.2, NM_001379648.1); c.4392A>C, p.Pro1464= (NM_001379631.1); c.4293A>C, p.Pro1431= (NM_001379632.1); c.4290A>C, p.Pro1430= (NM_001379633.1, NM_001379645.1); c.4143A>C, p.Pro1381= (NM_001379634.1); c.4140A>C, p.Pro1380= (NM_001379635.1, NM_001379646.1); and 7 more.
Identifiers: ClinVar variation 1354407 (VCV001354407.8), dbSNP rs2045700790, ClinGen allele CA432017425.

ClinVar aggregate classification (germline): Uncertain significance (1 of 4 stars; one submission).

Conditions:
Neuropathy, hereditary sensory, type 2C. Also called: KIF1A-Related HSAN2 (HSAN2C); Hereditary sensory and autonomic neuropathy type IIC. Identifiers: Orphanet 970, MedGen C3280168, MONDO:0013634, OMIM 614213.
Intellectual disability, autosomal dominant 9 (NESCAVS). Also called: KIF1A-Related Neurodevelopmental Disorder; NESCAV SYNDROME. Identifiers: Orphanet 662367, MedGen C5393830, MONDO:0013656, OMIM 614255.
Hereditary spastic paraplegia 30. Identifiers: Orphanet 101010, MedGen C5235139, MONDO:0012476.

Submission:

Labcorp Genetics (formerly Invitae), Labcorp
Classification: Uncertain significance for Hereditary spastic paraplegia 30; Neuropathy, hereditary sensory, type 2C; Intellectual disability, autosomal dominant 9. Last evaluated: 2025-04-17. Review status: criteria provided, single submitter. Criteria: Invitae Variant Classification Sherloc (09022015). Collection method: clinical testing. Allele origin: germline.
Comment: This sequence change affects codon 1338 of the KIF1A mRNA. It is a 'silent' change, meaning that it does not change the encoded amino acid sequence of the KIF1A protein. It affects a nucleotide within the consensus splice site. This variant is not present in population databases (gnomAD no frequency). This variant has not been reported in the literature in individuals affected with KIF1A-related conditions. ClinVar contains an entry for this variant (Variation ID: 1354407). Algorithms developed to predict the effect of sequence changes on RNA splicing suggest that this variant is not likely to affect RNA splicing. In summary, the available evidence is currently insufficient to determine the role of this variant in disease. Therefore, it has been classified as a Variant of Uncertain Significance.